The following is an entry in ClinVar:

NM_005228.5(EGFR):c.2062-7C>G

Gene: EGFR (epidermal growth factor receptor; plus strand). Cytogenetic location: 7p11.2.
Variant type: single nucleotide variant.
Coding change: c.2062-7C>G on transcript NM_005228.5 (MANE Select); 7 bases into the intron before coding-DNA position 2062, C replaced by G.
Molecular consequence: intron variant.
Genome position (GRCh38, 1-based): chr7:55,173,914, C>G. VCF-style: chr7-55173914-C-G. GRCh37 (hg19) VCF-style: chr7-55241607-C-G.
Other names: c.1927-7C>G (NM_001346899.2, NM_001346897.2); c.1261-7C>G (NM_001346941.2); c.2062-7C>G (NM_001346898.2, NM_005228.4); c.1903-7C>G (NM_001346900.2).
Identifiers: ClinVar variation 360465 (VCV000360465.11), dbSNP rs184220351, ClinGen allele CA4265973.

ClinVar aggregate classification (germline): Likely benign. Review status: criteria provided, multiple submitters, no conflicts (2 of 4 stars). 3 submissions from 3 submitters: Likely benign (3). Last evaluated 2026-06-24.

Conditions:
Lung cancer. Also called: Malignant tumor of lung; Lung cancer, somatic. Identifiers: MedGen C0242379, MONDO:0008903, OMIM 211980.
EGFR-related disorder. Also called: EGFR-related condition.
EGFR-related lung cancer (EGFR). Identifiers: MedGen CN130014.

Allele frequency attached by ClinVar (database versions not stated): ExAC 0.00007; gnomAD exomes 0.00008; TOPMed 0.00008; gnomAD 0.00010; ESP Exome Variant Server 0.00015; 1000 Genomes Project 30x 0.00016; 1000 Genomes Project 0.00020.
gnomAD v4.1: 237 of 1,614,216 alleles (0.015%); highest among the groups gnomAD compares: Non-Finnish European, 0.019%; no homozygotes.

Submissions (3):

PreventionGenetics, part of Exact Sciences
Classification: Likely benign for EGFR-related condition. Last evaluated: 2026-06-24. Review status: criteria provided, single submitter. Criteria: ACMG Guidelines, 2015. Collection method: clinical testing. Allele origin: germline.
Comment: This variant is classified as likely benign based on ACMG/AMP sequence variant interpretation guidelines (Richards et al. 2015 PMID: 25741868, with internal and published modifications).

Labcorp Genetics (formerly Invitae), Labcorp
Classification: Likely benign for EGFR-related lung cancer. Last evaluated: 2026-01-26. Review status: criteria provided, single submitter. Criteria: Invitae Variant Classification Sherloc (09022015). Collection method: clinical testing. Allele origin: germline.

Myriad Genetics, Inc.
Classification: Likely benign for Lung cancer. Last evaluated: 2024-10-16. Review status: criteria provided, single submitter. Criteria: Myriad Autosomal Dominant, Autosomal Recessive and X-Linked Classification Criteria (2023). Collection method: clinical testing. Allele origin: unknown.
Comment: This variant is considered likely benign. This variant is intronic and is not expected to impact mRNA splicing. This variant has been observed at a population frequency that is significantly greater than expected given the associated disease prevalence and penetrance.